The following is an entry in ClinVar:

NM_001330260.2(SCN8A):c.2525T>C (p.Val842Ala)

Gene: SCN8A (sodium voltage-gated channel alpha subunit 8; plus strand). Cytogenetic location: 12q13.13.
Variant type: single nucleotide variant.
Coding change: c.2525T>C on transcript NM_001330260.2 (MANE Select); coding-DNA position 2525, T replaced by C.
Protein change: p.Val842Ala; replaces valine 842 with alanine.
Molecular consequence: missense variant.
Genome position (GRCh38, 1-based): chr12:51,762,657, T>C. VCF-style: chr12-51762657-T-C. GRCh37 (hg19) VCF-style: chr12-52156441-T-C.
Other names: c.2525T>C, p.Val842Ala (NM_001177984.3, NM_001369788.1, NM_014191.4); short protein forms V842A.
Identifiers: ClinVar variation 4056851 (VCV004056851.1).

ClinVar aggregate classification (germline): Likely pathogenic (1 of 4 stars; one submission).

Submission:

GeneDx
Classification: Likely pathogenic. Last evaluated: 2024-12-27. Review status: criteria provided, single submitter. Criteria: GeneDx Variant Classification Process June 2021. Collection method: clinical testing. Allele origin: germline. Affected: yes.
Comment: Not observed at significant frequency in large population cohorts (gnomAD); In silico analysis supports that this missense variant has a deleterious effect on protein structure/function; Has not been previously published as pathogenic or benign to our knowledge